The following is an entry in ClinVar:

NM_007294.4(BRCA1):c.5075A>T (p.Asp1692Val)

Gene: BRCA1 (BRCA1 DNA repair associated; minus strand). Cytogenetic location: 17q21.31.
Variant type: single nucleotide variant.
Coding change: c.5075A>T on transcript NM_007294.4 (MANE Select); coding-DNA position 5075, A replaced by T.
Protein change: p.Asp1692Val; replaces aspartic acid 1692 with valine.
Molecular consequence: missense variant. On other transcripts: non-coding transcript variant (1).
Genome position (GRCh38, 1-based): chr17:43,063,951, T>A on the plus strand (A>T on the coding strand, the complement: BRCA1 is on the minus strand). VCF-style: chr17-43063951-T-A. GRCh37 (hg19) VCF-style: chr17-41215968-T-A.
Other names: NM_007294.4(BRCA1):c.5075A>T; p.Asp1692Val; 5194A>T; c.4946A>T, p.Asp1649Val (NM_001407686.1, NM_001407687.1, NM_001407688.1 and 6 more transcripts); c.4943A>T, p.Asp1648Val (NM_001407690.1, NM_001407691.1); c.4934A>T, p.Asp1645Val (NM_001407692.1, NM_001407694.1, NM_001407695.1 and 13 more transcripts); c.4688A>T, p.Asp1563Val (NM_001407963.1); c.4613A>T, p.Asp1538Val (NM_001407964.1); and 74 more; short protein forms D1692V, D1645V, D1713V, D588V, D589V, D823V, D1538V, D1563V.
Identifiers: ClinVar variation 55383 (VCV000055383.22), dbSNP rs397509222, ClinGen allele CA003216.
Genomic context (GRCh38, chr17:43,063,951, plus strand): 5'-CATTTTCCTCCCGCAATTCCTAGAAAATATTTCAGTGTCCGTTCACACACAAACTCAGCA[T>A]CTGCAGAATGAAAAACACTCAAAGGATTAGAAGTTGAAAACAAAATCAGGAAGTGCTGTC-3'
Protein context (NP_009225.1, residues 1682-1702): EETTHVVMKT[Asp1692Val]AEFVCERTLK

ClinVar aggregate classification (germline): Likely pathogenic. Review status: reviewed by expert panel (3 of 4 stars). 8 submissions from 8 submitters: Likely pathogenic (1). 7 of the submissions do not count toward it. Last evaluated 2026-03-18.

Conditions:
BRCA1-related cancer predisposition. Identifiers: MedGen CN377757, MONDO:0700268.
Hereditary cancer-predisposing syndrome. Also called: Hereditary Cancer Syndrome; Hereditary neoplastic syndrome; Neoplastic Syndromes, Hereditary; Tumor predisposition. Identifiers: Orphanet 140162, MedGen C0027672, MeSH D009386, MONDO:0015356.
Hereditary breast ovarian cancer syndrome. Also called: BRCA1- and BRCA2-Associated Hereditary Breast and Ovarian Cancer; Hereditary breast and ovarian cancer syndrome; Hereditary breast and ovarian cancer syndrome (HBOC); Breast and ovarian cancer; Hereditary breast and/or ovarian cancer syndrome; Hereditary breast and ovarian cancer. Identifiers: Orphanet 145, MedGen C0677776, MeSH D061325, MONDO:0003582. Disease mechanism: loss of function.
Breast-ovarian cancer, familial, susceptibility to, 1 (BROVCA1). Also called: BRCA1 Hereditary Breast and Ovarian Cancer; OVARIAN CANCER, SUSCEPTIBILITY TO. Identifiers: Orphanet 145, MedGen C2676676, MONDO:0011450, OMIM 604370. Disease mechanism: loss of function.

Submissions (9):

ClinGen ENIGMA BRCA1 and BRCA2 Variant Curation Expert Panel, ClinGen
Classification: Likely pathogenic for BRCA1-related cancer predisposition. Last evaluated: 2026-03-18. Review status: reviewed by expert panel. Criteria: CSpec BRCA1/2ACMG Rules Specifications V1.2. Collection method: curation. Allele origin: germline. Inheritance: Autosomal dominant inheritance.
Comment: The c.5075A>T variant in BRCA1 is a missense variant predicted to cause substitution of aspartic acid by valine at amino acid 1692 (p.Asp1692Val). This variant is absent from gnomAD v2.1 (exomes only, non-cancer subset, read depth ≥25) and gnomAD v3.1 (non-cancer subset, read depth ≥25) (PM2_Supporting met). This BRCA1 missense variant has a SpliceAI score of 0.32, predicting an impact on splicing (score threshold ≥0.2) (PP3 met). Missense variant predicted to alter splicing, functional data considered only from assays that measure effect via mRNA and protein. Reported by one calibrated study incorporating mRNA splicing effects to exhibit function similar to pathogenic control variants (PMID: 30209399) (PS3 met). Multifactorial likelihood ratio analysis using clinically calibrated data produced a combined LR for this variant of 15.2 (based on Family History LR=15.2), within the thresholds for moderate evidence towards pathogenicity (LR >4.3 & ≤18.7) (PP4_Moderate met; PMID, 31853058). In summary, this variant meets the criteria to be classified as a likely pathogenic variant for BRCA1-related cancer predisposition based on the ACMG/AMP criteria applied as specified by the ENIGMA BRCA1/2 VCEP (PM2_Supporting, PP3, PS3, PP4_Moderate).

GeneDx
Classification: Likely pathogenic. Last evaluated: 2026-09-08. Review status: criteria provided, single submitter. Criteria: GeneDx Variant Classification Process June 2021. Collection method: clinical testing. Allele origin: germline. Not counted in ClinVar's aggregate classification.
Comment: Published functional studies demonstrate a damaging effect: variant classified as non-functional based on a saturation genome editing (SGE) assay measuring cell survival (PMID: 30209399); Not observed at significant frequency in large population cohorts (gnomAD); In silico analysis supports that this missense variant has a deleterious effect on protein structure/function; In silico analysis is inconclusive as to whether the variant alters gene splicing. In the absence of RNA/functional studies, the actual effect of this sequence change is unknown.; This variant is associated with the following publications: (PMID: 22277901, 25348405, 32257056, Yi2018[Poster], 21965345, 30209399, 31853058)

Ambry Genetics
Classification: Likely pathogenic for Hereditary cancer-predisposing syndrome. Last evaluated: 2025-04-14. Review status: criteria provided, single submitter. Criteria: Ambry Variant Classification Scheme 2023. Collection method: clinical testing. Allele origin: germline. Not counted in ClinVar's aggregate classification.
Comment: The p.D1692V variant (also known as c.5075A>T) is located in coding exon 16 of the BRCA1 gene. The aspartic acid at codon 1692 is replaced by valine, an amino acid with highly dissimilar properties. This variant was identified in one out of 1345 ovarian cancer patients (Akbari MR et al. J. Med. Genet. 2011 Nov; 48(11):783-6). This variant is considered to be rare based on population cohorts in the Genome Aggregation Database (gnomAD). One functional study found that this nucleotide substitution is deleterious in a high throughput genome editing haploid cell survival assay (Findlay GM et al. Nature, 2018 10;562:217-222). This amino acid position is highly conserved in available vertebrate species. In addition, this alteration is predicted to be deleterious by in silico analysis. Based on the majority of available evidence to date, this variant is likely to be pathogenic.

Quest Diagnostics Nichols Institute San Juan Capistrano
Classification: Uncertain significance. Last evaluated: 2024-05-03. Review status: criteria provided, single submitter. Criteria: Quest Diagnostics criteria. Collection method: clinical testing. Allele origin: unknown. Not counted in ClinVar's aggregate classification.
Comment: The BRCA1 c.5075A>T (p.Asp1692Val) variant has been reported in the published literature in an individual with ovarian cancer (PMID: 21965345 (2011)), and characterized as being non-functional in a saturation genome editing assays measuring DNA repair-dependent cell proliferation (PMIDs: 30209399 (2018)). At this codon, a different variant (c.5075A>C (p.Asp1692Ala)) has been shown to cause nearly abolished BRCA1 transactivation activity (PMIDs: 30458859 (2018), 27495310 (2017)), while other amino acid substitutions (e.g. p.Asp1692His, p.Asp1692Tyr, p.Asp1692Asn) result in partial to near normal levels of BRCT domain stability, binding activity and specificity (PMID: 20516115 (2010)). The c.5075A>T (p.Asp1692Val) variant has not been reported in large, multi-ethnic general populations (Genome Aggregation Database). Analysis of this variant using bioinformatics tools for the prediction of the effect of amino acid changes on protein structure and function yielded conflicting predictions that this variant is deleterious or benign. Additional analysis using software algorithms for the prediction of the effect of nucleotide changes on BRCA1 mRNA splicing yielded inconclusive findings. Based on the available information, we are unable to determine the clinical significance of this variant.

Labcorp Genetics (formerly Invitae), Labcorp
Classification: Uncertain significance for Hereditary breast ovarian cancer syndrome. Last evaluated: 2024-01-15. Review status: criteria provided, single submitter. Criteria: Invitae Variant Classification Sherloc (09022015). Collection method: clinical testing. Allele origin: germline. Not counted in ClinVar's aggregate classification.
Comment: This sequence change replaces aspartic acid, which is acidic and polar, with valine, which is neutral and non-polar, at codon 1692 of the BRCA1 protein (p.Asp1692Val). This variant is not present in population databases (gnomAD no frequency). This missense change has been observed in individual(s) with ovarian cancer (PMID: 21965345). ClinVar contains an entry for this variant (Variation ID: 55383). An algorithm developed to predict the effect of missense changes on protein structure and function (PolyPhen-2) suggests that this variant is likely to be disruptive. Experimental studies have shown that this missense change affects BRCA1 function (PMID: 30209399). Studies have shown that this missense change is associated with inconclusive levels of altered splicing (Invitae). In summary, the available evidence is currently insufficient to determine the role of this variant in disease. Therefore, it has been classified as a Variant of Uncertain Significance.

Baylor Genetics
Classification: Uncertain significance for Breast-ovarian cancer, familial, susceptibility to, 1. Last evaluated: 2023-02-16. Review status: criteria provided, single submitter. Criteria: ACMG Guidelines, 2015. Collection method: clinical testing. Allele origin: unknown. Not counted in ClinVar's aggregate classification.

Research Molecular Genetics Laboratory, Women's College Hospital, University of Toronto
Classification: Uncertain significance. Last evaluated: 2014-01-31. Review status: no assertion criteria provided. Collection method: research. Allele origin: germline. Affected: yes. Study: The Canadian Open Genetics Repository (COGR). Not counted in ClinVar's aggregate classification.

Sharing Clinical Reports Project (SCRP)
Classification: Uncertain significance for Breast-ovarian cancer, familial 1. Last evaluated: 2011-12-05. Review status: no assertion criteria provided. Collection method: clinical testing. Allele origin: germline. Not counted in ClinVar's aggregate classification.

Brotman Baty Institute, University of Washington
No classification provided (evidence only). Condition: Breast-ovarian cancer, familial 1. Review status: no classification provided. Collection method: in vitro. Allele origin: not applicable. Functional consequence: functionally_abnormal. Not counted in ClinVar's aggregate classification.
ClinVar note: "not provided" was previously submitted as the classification for the variant. However, the classification appeared to be based only on an observation of functional data so it was converted to no classification on 2025-07-30.

Literature cited by the submitters: PubMed 10200350 (cited by Ambry Genetics); PubMed 11410501 (cited by Ambry Genetics); PubMed 20516115 (cited by Ambry Genetics); PubMed 21965345 (cited by 3 submitters); PubMed 22469508 (cited by Ambry Genetics); PubMed 23867111 (cited by Ambry Genetics); PubMed 25141179 (cited by Ambry Genetics); PubMed 30209399 (cited by 3 submitters); PubMed 30458859 (cited by Ambry Genetics); PubMed 32257056 (cited by Ambry Genetics).